The following is an entry in ClinVar:

NM_003681.5(PDXK):c.143-102T>C

Gene: PDXK (pyridoxal kinase; plus strand). Cytogenetic location: 21q22.3.
Variant type: single nucleotide variant.
Coding change: c.143-102T>C on transcript NM_003681.5 (MANE Select); 102 bases into the intron before coding-DNA position 143, T replaced by C.
Molecular consequence: intron variant. On other transcripts: synonymous variant (1).
Genome position (GRCh38, 1-based): chr21:43,741,565, T>C. VCF-style: chr21-43741565-T-C. GRCh37 (hg19) VCF-style: chr21-45161446-T-C.
Other names: c.15T>C, p.Arg5= (NM_001331030.2).
Identifiers: ClinVar variation 3771212 (VCV003771212.13).

ClinVar aggregate classification (germline): Likely benign (1 of 4 stars; one submission).

gnomAD v4.1: 98 of 1,544,336 alleles (0.0063%); highest among the groups gnomAD compares: Middle Eastern, 0.11%; no homozygotes.

Submission:

CeGaT Center for Human Genetics Tuebingen
Classification: Likely benign. Last evaluated: 2025-01-01. Review status: criteria provided, single submitter. Criteria: CeGaT Center For Human Genetics Tuebingen Variant Classification Criteria Version 2. Collection method: clinical testing. Allele origin: germline. Affected: yes. Observed: 1 variant allele.
Comment: PDXK: BP4, BP7